The following is an entry in ClinVar:

ClinVar aggregate classification (germline): Uncertain significance (1 of 4 stars; one submission).

Conditions:
Hereditary nonpolyposis colorectal neoplasms. Identifiers: MedGen C0009405, MeSH D003123.

Submission:

Labcorp Genetics (formerly Invitae), Labcorp
Classification: Uncertain significance for Hereditary nonpolyposis colorectal neoplasms. Last evaluated: 2024-11-02. Review status: criteria provided, single submitter. Criteria: Invitae Variant Classification Sherloc (09022015). Collection method: clinical testing. Allele origin: germline.
Comment: This sequence change replaces glycine, which is neutral and non-polar, with glutamic acid, which is acidic and polar, at codon 1292 of the MSH6 protein (p.Gly1292Glu). This variant is not present in population databases (gnomAD no frequency). This variant has not been reported in the literature in individuals affected with MSH6-related conditions. Invitae Evidence Modeling of protein sequence and biophysical properties (such as structural, functional, and spatial information, amino acid conservation, physicochemical variation, residue mobility, and thermodynamic stability) has been performed for this missense variant. However, the output from this modeling did not meet the statistical confidence thresholds required to predict the impact of this variant on MSH6 protein function. In summary, the available evidence is currently insufficient to determine the role of this variant in disease. Therefore, it has been classified as a Variant of Uncertain Significance.

NM_000179.3(MSH6):c.3875G>A (p.Gly1292Glu)

Gene: MSH6 (mutS homolog 6; plus strand). Cytogenetic location: 2p16.3.
Variant type: single nucleotide variant.
Coding change: c.3875G>A on transcript NM_000179.3 (MANE Select); coding-DNA position 3875, G replaced by A.
Protein change: p.Gly1292Glu; replaces glycine 1292 with glutamic acid.
Molecular consequence: missense variant. On other transcripts: non-coding transcript variant (5), intron variant (1).
Genome position (GRCh38, 1-based): chr2:47,806,525, G>A. VCF-style: chr2-47806525-G-A. GRCh37 (hg19) VCF-style: chr2-48033664-G-A.
Other names: c.3881G>A, p.Gly1294Glu (NM_001406813.1); c.3578G>A, p.Gly1193Glu (NM_001406819.1, NM_001406818.1, NM_001406797.1 and 10 more transcripts); c.2969G>A, p.Gly990Glu (NM_001406815.1, NM_001406816.1, NM_001406814.1 and 6 more transcripts); c.2309G>A, p.Gly770Glu (NM_001406817.1); c.3485G>A, p.Gly1162Glu (NM_001281492.2); c.3971G>A, p.Gly1324Glu (NM_001406795.1); c.3875G>A, p.Gly1292Glu (NM_001406796.1, NM_001406808.1, NM_001406809.1); c.3701G>A, p.Gly1234Glu (NM_001406798.1); and 9 more; short protein forms G1004E, G219E, G241E, G990E, E1288K, G1236E, G1266E, G1292E.
Identifiers: ClinVar variation 3633975 (VCV003633975.2).